The following is an entry in ClinVar:

ClinVar aggregate classification (germline): Uncertain significance. Review status: criteria provided, multiple submitters, no conflicts (2 of 4 stars). 2 submissions from 2 submitters: Uncertain significance (2). Last evaluated 2025-12-16.

Conditions:
CSF3R-related disorder. Also called: CSF3R-related condition.
Autosomal recessive severe congenital neutropenia due to CSF3R deficiency. Also called: Neutropenia, severe congenital, 7, autosomal recessive. Identifiers: Orphanet 420702, MedGen C4310764, MONDO:0014865, OMIM 617014.

Allele frequency attached by ClinVar (database versions not stated): ExAC 0.00001; gnomAD 0.00002 and 0.00003; gnomAD exomes 0.00002 and 0.00008; TOPMed 0.00005; ESP Exome Variant Server 0.00008.
gnomAD v4.1: 122 of 1,614,122 alleles (0.0076%); highest among the groups gnomAD compares: Non-Finnish European, 0.01%; no homozygotes.

Submissions (2):

Labcorp Genetics (formerly Invitae), Labcorp
Classification: Uncertain significance for Autosomal recessive severe congenital neutropenia due to CSF3R deficiency. Last evaluated: 2025-12-16. Review status: criteria provided, single submitter. Criteria: Invitae Variant Classification Sherloc (09022015). Collection method: clinical testing. Allele origin: germline.
Comment: This sequence change replaces valine, which is neutral and non-polar, with glutamic acid, which is acidic and polar, at codon 372 of the CSF3R protein (p.Val372Glu). This variant is present in population databases (rs200965005, gnomAD 0.004%). This variant has not been reported in the literature in individuals affected with CSF3R-related conditions. ClinVar contains an entry for this variant (Variation ID: 641452). Invitae Evidence Modeling of protein sequence and biophysical properties (such as structural, functional, and spatial information, amino acid conservation, physicochemical variation, residue mobility, and thermodynamic stability) indicates that this missense variant is not expected to disrupt CSF3R protein function with a negative predictive value of 80%. In summary, the available evidence is currently insufficient to determine the role of this variant in disease. Therefore, it has been classified as a Variant of Uncertain Significance.

PreventionGenetics, part of Exact Sciences
Classification: Uncertain significance for CSF3R-related condition. Last evaluated: 2025-09-11. Review status: criteria provided, single submitter. Criteria: ACMG Guidelines, 2015. Collection method: clinical testing. Allele origin: germline.
Comment: The CSF3R c.1115T>A variant is predicted to result in the amino acid substitution p.Val372Glu. To our knowledge, this variant has not been reported in the literature. This variant is reported in 0.0035% of alleles in individuals of European (Non-Finnish) descent in gnomAD. At this time, the clinical significance of this variant is uncertain due to the absence of conclusive functional and genetic evidence.

NM_000760.4(CSF3R):c.1115T>A (p.Val372Glu)

Gene: CSF3R (colony stimulating factor 3 receptor; minus strand). Cytogenetic location: 1p34.3.
Variant type: single nucleotide variant.
Coding change: c.1115T>A on transcript NM_000760.4 (MANE Select); coding-DNA position 1115, T replaced by A.
Protein change: p.Val372Glu; replaces valine 372 with glutamic acid.
Molecular consequence: missense variant.
Genome position (GRCh38, 1-based): chr1:36,471,603, A>T on the plus strand (T>A on the coding strand, the complement: CSF3R is on the minus strand). VCF-style: chr1-36471603-A-T. GRCh37 (hg19) VCF-style: chr1-36937204-A-T.
Other names: c.1115T>A, p.Val372Glu (NM_156039.3, NM_172313.3, LRG_144t1); short protein forms V372E.
Identifiers: ClinVar variation 641452 (VCV000641452.9), dbSNP rs200965005, ClinGen allele CA769272.
Genomic context (GRCh38, chr1:36,471,603, plus strand): 5'-TCTGTGGTGTTGCAGAGGGGCAGGATGGCCCCAGCCTGGCCTGAGGGTCTCCAAGAAACC[A>T]CATAACCTTGGATCCGTCCGCTGTCTTCCTCCAGGGGCACTGGCTGTGGGGCACAGGAGG-3'
Protein context (NP_000751.1, residues 362-382): EEDSGRIQGY[Val372Glu]VSWRPSGQAG